The following is an entry in ClinVar:

ClinVar aggregate classification (germline): Pathogenic (1 of 4 stars; one submission).

Submission:

CeGaT Center for Human Genetics Tuebingen
Classification: Pathogenic. Last evaluated: 2023-07-01. Review status: criteria provided, single submitter. Criteria: CeGaT Center For Human Genetics Tuebingen Variant Classification Criteria Version 2. Collection method: clinical testing. Allele origin: germline. Affected: yes. Observed: 1 variant allele.
Comment: MYT1L: PVS1, PM2, PS4:Supporting

NM_001303052.2(MYT1L):c.1174dup (p.Arg392fs)

Gene: MYT1L (myelin transcription factor 1 like; minus strand). Cytogenetic location: 2p25.3.
Variant type: Duplication.
Coding change: c.1174dup on transcript NM_001303052.2 (MANE Select); coding-DNA position 1174, one base duplicated (C; older notation c.1174dupC).
Protein change: p.Arg392fs; shifts the reading frame from arginine 392.
Molecular consequence: frameshift variant.
Genome position (GRCh38, 1-based): chr2:1,922,595, G duplicated on the plus strand (C on the coding strand, the reverse complement: MYT1L is on the minus strand); the first of 5 consecutive G bases (chr2:1,922,595-1,922,599); duplicating any one gives the same sequence. VCF-style (leftmost placement, unchanged base first): chr2-1922594-C-CG. GRCh37 (hg19) VCF-style: chr2-1926366-C-CG.
Other names: c.1174dup, p.Arg392fs (NM_001329844.2, NM_001329845.1, NM_001329846.3 and 6 more transcripts); short protein forms R392fs.
Identifiers: ClinVar variation 2578844 (VCV002578844.25), dbSNP rs2550916533, ClinGen allele CA2580617951.